The following is an entry in ClinVar:

ClinVar aggregate classification (germline): Uncertain significance (1 of 4 stars; one submission).

Conditions:
Left ventricular noncompaction 8 (LVNC8). Identifiers: Orphanet 154, Orphanet 54260, MedGen C3809288, MONDO:0014152, OMIM 615373.

Submission:

Labcorp Genetics (formerly Invitae), Labcorp
Classification: Uncertain significance for Left ventricular noncompaction 8. Last evaluated: 2025-10-14. Review status: criteria provided, single submitter. Criteria: Invitae Variant Classification Sherloc (09022015). Collection method: clinical testing. Allele origin: germline.
Comment: This sequence change replaces alanine, which is neutral and non-polar, with proline, which is neutral and non-polar, at codon 724 of the PRDM16 protein (p.Ala724Pro). This variant is not present in population databases (gnomAD no frequency). This variant has not been reported in the literature in individuals affected with PRDM16-related conditions. An algorithm developed to predict the effect of missense changes on protein structure and function (PolyPhen-2) suggests that this variant is likely to be tolerated. In summary, the available evidence is currently insufficient to determine the role of this variant in disease. Therefore, it has been classified as a Variant of Uncertain Significance.

NM_022114.4(PRDM16):c.2170G>C (p.Ala724Pro)

Gene: PRDM16 (PR/SET domain 16; plus strand). Cytogenetic location: 1p36.32.
Variant type: single nucleotide variant.
Coding change: c.2170G>C on transcript NM_022114.4 (MANE Select); coding-DNA position 2170, G replaced by C.
Protein change: p.Ala724Pro; replaces alanine 724 with proline.
Molecular consequence: missense variant.
Genome position (GRCh38, 1-based): chr1:3,412,367, G>C. VCF-style: chr1-3412367-G-C. GRCh37 (hg19) VCF-style: chr1-3328931-G-C.
Other names: c.2170G>C, p.Ala724Pro (NM_199454.3); short protein forms A724P.
Identifiers: ClinVar variation 4741485 (VCV004741485.1).